The following is an entry in ClinVar:

NM_003072.5(SMARCA4):c.2109G>A (p.Ala703=)

Gene: SMARCA4 (SWI/SNF related BAF chromatin remodeling complex subunit ATPase 4; plus strand). Cytogenetic location: 19p13.2.
Variant type: single nucleotide variant.
Coding change: c.2109G>A on transcript NM_003072.5 (MANE Select); coding-DNA position 2109, G replaced by A.
Protein change: p.Ala703=; no amino-acid change (alanine 703 retained).
Molecular consequence: synonymous variant. On other transcripts: non-coding transcript variant (1).
Genome position (GRCh38, 1-based): chr19:11,008,009, G>A. VCF-style: chr19-11008009-G-A. GRCh37 (hg19) VCF-style: chr19-11118685-G-A.
Other names: c.2109G>A, p.Ala703= (NM_001128844.3, NM_001128845.2, NM_001128846.2 and 5 more transcripts).
Identifiers: ClinVar variation 238391 (VCV000238391.19), dbSNP rs376562928, ClinGen allele CA9204008.

ClinVar aggregate classification (germline): Benign/Likely benign. Review status: criteria provided, multiple submitters, no conflicts (2 of 4 stars). 5 submissions from 5 submitters: Benign (1); Likely benign (4). Last evaluated 2026-07-13.

Conditions:
SMARCA4-related disorder. Also called: SMARCA4-related condition.
Hereditary cancer-predisposing syndrome. Also called: Hereditary Cancer Syndrome; Tumor predisposition; Hereditary neoplastic syndrome; Neoplastic Syndromes, Hereditary. Identifiers: Orphanet 140162, MedGen C0027672, MeSH D009386, MONDO:0015356.
Rhabdoid tumor predisposition syndrome 2 (RTPS2). Identifiers: Orphanet 231108, Orphanet 69077, MedGen C2750074, MONDO:0013224, OMIM 613325.

Allele frequency attached by ClinVar (database versions not stated): TOPMed 0.00003.
gnomAD v4.1: 67 of 1,613,184 alleles (0.0042%); highest among the groups gnomAD compares: African/African-American, 0.0093%; no homozygotes.

Submissions (5):

Myriad Genetics, Inc.
Classification: Benign for Rhabdoid tumor predisposition syndrome 2. Last evaluated: 2026-07-13. Review status: criteria provided, single submitter. Criteria: Myriad Autosomal Dominant, Autosomal Recessive and X-Linked Classification Criteria (2023). Collection method: clinical testing. Allele origin: unknown.
Comment: This variant is considered benign. This variant is a silent/synonymous amino acid change and it is not expected to impact splicing.

Labcorp Genetics (formerly Invitae), Labcorp
Classification: Likely benign for Rhabdoid tumor predisposition syndrome 2. Last evaluated: 2026-01-06. Review status: criteria provided, single submitter. Criteria: Invitae Variant Classification Sherloc (09022015). Collection method: clinical testing. Allele origin: germline.

PreventionGenetics, part of Exact Sciences
Classification: Likely benign for SMARCA4-related condition. Last evaluated: 2025-01-30. Review status: criteria provided, single submitter. Criteria: ACMG Guidelines, 2015. Collection method: clinical testing. Allele origin: germline.
Comment: This variant is classified as likely benign based on ACMG/AMP sequence variant interpretation guidelines (Richards et al. 2015 PMID: 25741868, with internal and published modifications).

Sema4
Classification: Likely benign for Hereditary cancer-predisposing syndrome. Last evaluated: 2021-12-15. Review status: criteria provided, single submitter. Criteria: Sema4 Curation Guidelines. Collection method: curation. Allele origin: germline.

Ambry Genetics
Classification: Likely benign for Hereditary cancer-predisposing syndrome. Last evaluated: 2015-10-26. Review status: criteria provided, single submitter. Criteria: Ambry Variant Classification Scheme 2023. Collection method: clinical testing. Allele origin: germline.